The following is an entry in ClinVar:

NM_006663.4(PPP1R13L):c.561C>T (p.Ser187=)

Gene: PPP1R13L (protein phosphatase 1 regulatory subunit 13 like; minus strand). Cytogenetic location: 19q13.32.
Variant type: single nucleotide variant.
Coding change: c.561C>T on transcript NM_006663.4 (MANE Select); coding-DNA position 561, C replaced by T.
Protein change: p.Ser187=; no amino-acid change (serine 187 retained).
Molecular consequence: synonymous variant.
Genome position (GRCh38, 1-based): chr19:45,396,696, G>A on the plus strand (C>T on the coding strand, the complement: PPP1R13L is on the minus strand). VCF-style: chr19-45396696-G-A. GRCh37 (hg19) VCF-style: chr19-45899954-G-A.
Other names: c.561C>T, p.Ser187= (NM_001142502.2).
Identifiers: ClinVar variation 5037839 (VCV005037839.1).

ClinVar aggregate classification (germline): Likely benign (1 of 4 stars; one submission).

Submission:

Molecular Diagnostic Laboratory for Inherited Cardiovascular Disease, Montreal Heart Institute
Classification: Likely benign. Last evaluated: 2026-09-21. Review status: criteria provided, single submitter. Criteria: ACMG Guidelines, 2015. Collection method: clinical testing. Allele origin: germline. Affected: no.
Comment: BP7